The following is an entry in ClinVar:

NM_000059.4(BRCA2):c.4952C>T (p.Pro1651Leu)

Gene: BRCA2 (BRCA2 DNA repair associated; plus strand). Cytogenetic location: 13q13.1.
Variant type: single nucleotide variant.
Coding change: c.4952C>T on transcript NM_000059.4 (MANE Select); coding-DNA position 4952, C replaced by T.
Protein change: p.Pro1651Leu; replaces proline 1651 with leucine.
Molecular consequence: missense variant.
Genome position (GRCh38, 1-based): chr13:32,339,307, C>T. VCF-style: chr13-32339307-C-T. GRCh37 (hg19) VCF-style: chr13-32913444-C-T.
Other names: short protein forms P1651L.
Identifiers: ClinVar variation 581896 (VCV000581896.24), dbSNP rs565268514, ClinGen allele CA6940833.

ClinVar aggregate classification (germline): Conflicting classifications of pathogenicity. Review status: criteria provided, conflicting classifications (1 of 4 stars). 7 submissions from 7 submitters: Uncertain significance (6); Likely benign (1). Last evaluated 2025-11-24.

Conditions:
BRCA2-related cancer predisposition. Identifiers: MedGen CN377758, MONDO:0700269.
Hereditary cancer-predisposing syndrome. Also called: Neoplastic Syndromes, Hereditary; Hereditary Cancer Syndrome; Tumor predisposition; Hereditary neoplastic syndrome. Identifiers: Orphanet 140162, MedGen C0027672, MeSH D009386, MONDO:0015356.
Hereditary breast ovarian cancer syndrome. Also called: Hereditary breast and ovarian cancer syndrome; Hereditary breast and/or ovarian cancer syndrome; Hereditary breast and ovarian cancer syndrome (HBOC); Breast and ovarian cancer; BRCA1- and BRCA2-Associated Hereditary Breast and Ovarian Cancer; Hereditary breast and ovarian cancer. Identifiers: Orphanet 145, MedGen C0677776, MeSH D061325, MONDO:0003582. Disease mechanism: loss of function.

Allele frequency attached by ClinVar (database versions not stated): gnomAD 0.00001; TOPMed 0.00001; ExAC 0.00002; 1000 Genomes Project 0.00020; 1000 Genomes Project 30x 0.00031.
gnomAD v4.1: 7 of 1,603,548 alleles (0.00044%); highest among the groups gnomAD compares: South Asian, 0.0079%; no homozygotes.

Submissions (7):

Labcorp Genetics (formerly Invitae), Labcorp
Classification: Uncertain significance for Hereditary breast ovarian cancer syndrome. Last evaluated: 2025-11-24. Review status: criteria provided, single submitter. Criteria: Invitae Variant Classification Sherloc (09022015). Collection method: clinical testing. Allele origin: germline.
Comment: This sequence change replaces proline, which is neutral and non-polar, with leucine, which is neutral and non-polar, at codon 1651 of the BRCA2 protein (p.Pro1651Leu). This variant is present in population databases (rs565268514, gnomAD 0.02%). This variant has not been reported in the literature in individuals affected with BRCA2-related conditions. ClinVar contains an entry for this variant (Variation ID: 581896). Invitae Evidence Modeling of protein sequence and biophysical properties (such as structural, functional, and spatial information, amino acid conservation, physicochemical variation, residue mobility, and thermodynamic stability) indicates that this missense variant is not expected to disrupt BRCA2 protein function with a negative predictive value of 95%. In summary, the available evidence is currently insufficient to determine the role of this variant in disease. Therefore, it has been classified as a Variant of Uncertain Significance.

Ambry Genetics
Classification: Uncertain significance for Hereditary cancer-predisposing syndrome. Last evaluated: 2025-01-02. Review status: criteria provided, single submitter. Criteria: Ambry Variant Classification Scheme 2023. Collection method: clinical testing. Allele origin: germline.
Comment: The p.P1651L variant (also known as c.4952C>T), located in coding exon 10 of the BRCA2 gene, results from a C to T substitution at nucleotide position 4952. The proline at codon 1651 is replaced by leucine, an amino acid with similar properties. This amino acid position is not well conserved in available vertebrate species. In addition, this alteration is predicted to be tolerated by in silico analysis. Based on the available evidence, the clinical significance of this variant remains unclear.

GeneDx
Classification: Uncertain significance. Last evaluated: 2024-12-26. Review status: criteria provided, single submitter. Criteria: GeneDx Variant Classification Process June 2021. Collection method: clinical testing. Allele origin: germline. Affected: yes.
Comment: Not observed at significant frequency in large population cohorts (gnomAD); In silico analysis supports that this missense variant has a deleterious effect on protein structure/function; Has not been previously published as pathogenic or benign to our knowledge; Also known as 5180C>T; This variant is associated with the following publications: (PMID: 31911673)

All of Us Research Program, National Institutes of Health
Classification: Uncertain significance for BRCA2-related cancer predisposition. Last evaluated: 2024-03-05. Review status: criteria provided, single submitter. Criteria: ACMG Guidelines, 2015. Collection method: clinical testing. Allele origin: germline. Inheritance: Autosomal dominant inheritance. Observed: 2 variant alleles, 2 heterozygotes.
Comment: This missense variant replaces proline with leucine at codon 1651 of the BRCA2 protein. Computational prediction suggests that this variant may not impact protein structure and function (internally defined REVEL score threshold <= 0.5, PMID: 27666373). To our knowledge, functional studies have not been reported for this variant. This variant has been detected in a breast cancer case-control meta-analysis in 0/60466 cases and 2/53461 unaffected individuals (PMID: 33471991; Leiden Open Variation Database DB-ID BRCA2_008274). This variant has been identified in 5/241170 chromosomes in the general population by the Genome Aggregation Database (gnomAD). The available evidence is insufficient to determine the role of this variant in disease conclusively. Therefore, this variant is classified as a Variant of Uncertain Significance.

This study involves interpretation of variants in research participants for the purpose of population health screening. Participant phenotype was not available at the time of variant classification. Additional details can be found in publication PMID: 35346344, PMCID: PMC8962531

Color Diagnostics, LLC DBA Color Health
Classification: Uncertain significance for Hereditary cancer-predisposing syndrome. Last evaluated: 2023-11-01. Review status: criteria provided, single submitter. Criteria: ACMG Guidelines, 2015. Collection method: clinical testing. Allele origin: germline.
Comment: This missense variant replaces proline with leucine at codon 1651 of the BRCA2 protein. Computational prediction suggests that this variant may not impact protein structure and function (internally defined REVEL score threshold <= 0.5, PMID: 27666373). To our knowledge, functional studies have not been reported for this variant. This variant has been detected in a breast cancer case-control meta-analysis in 0/60466 cases and 2/53461 unaffected individuals (PMID: 33471991; Leiden Open Variation Database DB-ID BRCA2_008274). This variant has been identified in 5/241170 chromosomes in the general population by the Genome Aggregation Database (gnomAD). The available evidence is insufficient to determine the role of this variant in disease conclusively. Therefore, this variant is classified as a Variant of Uncertain Significance.

University of Washington Department of Laboratory Medicine, University of Washington
Classification: Likely benign for Hereditary cancer-predisposing syndrome. Last evaluated: 2023-03-23. Review status: criteria provided, single submitter. Criteria: Dines et al. (Genet Med. 2020). Collection method: curation. Allele origin: germline.
Comment: Missense variant in a coldspot region where missense variants are very unlikely to be pathogenic (PMID:31911673).

BRCA2 exon 11 coldspot. Reclassification based on statistical prior probability.

Quest Diagnostics Nichols Institute San Juan Capistrano
Classification: Uncertain significance. Last evaluated: 2019-01-08. Review status: criteria provided, single submitter. Criteria: Quest Diagnostics criteria. Collection method: clinical testing. Allele origin: germline.

Literature cited by the submitters: PubMed 33471991 (cited by All of Us Research Program, National Institutes of Health and Color Diagnostics, LLC DBA Color Health).